The following is an entry in ClinVar:

ClinVar aggregate classification (germline): Uncertain significance (1 of 4 stars; one submission).

Allele frequency attached by ClinVar (database versions not stated): gnomAD exomes below 0.00001; gnomAD 0.00001; 1000 Genomes Project 30x 0.00016; 1000 Genomes Project 0.00020.
gnomAD v4.1: 2 of 1,614,148 alleles (0.00012%); highest among the groups gnomAD compares: East Asian, 0.0045%; no homozygotes.

Submission:

Ambry Genetics
Classification: Uncertain significance. Last evaluated: 2024-03-14. Review status: criteria provided, single submitter. Criteria: Ambry Variant Classification Scheme 2023. Collection method: clinical testing. Allele origin: germline.
Comment: The p.E304G variant (also known as c.911A>G), located in coding exon 6 of the IDH1 gene, results from an A to G substitution at nucleotide position 911. The glutamic acid at codon 304 is replaced by glycine, an amino acid with similar properties. This amino acid position is conserved. In addition, this alteration is predicted to be deleterious by in silico analysis. Based on the available evidence, the clinical significance of this alteration remains unclear.

NM_005896.4(IDH1):c.911A>G (p.Glu304Gly)

Gene: IDH1 (isocitrate dehydrogenase (NADP(+)) 1; minus strand). Cytogenetic location: 2q34.
Variant type: single nucleotide variant.
Coding change: c.911A>G on transcript NM_005896.4 (MANE Select); coding-DNA position 911, A replaced by G.
Protein change: p.Glu304Gly; replaces glutamic acid 304 with glycine.
Molecular consequence: missense variant.
Genome position (GRCh38, 1-based): chr2:208,239,943, T>C on the plus strand (A>G on the coding strand, the complement: IDH1 is on the minus strand). VCF-style: chr2-208239943-T-C. GRCh37 (hg19) VCF-style: chr2-209104667-T-C.
Other names: c.911A>G, p.Glu304Gly (NM_001282386.1, NM_001282387.1); short protein forms E304G.
Identifiers: ClinVar variation 3225152 (VCV003225152.1), dbSNP rs567401796, ClinGen allele CA64582527.